The following is an entry in ClinVar:

ClinVar aggregate classification (germline): Uncertain significance (1 of 4 stars; one submission).

Conditions:
MID1-related disorder. Also called: MID1-related condition.

Submission:

PreventionGenetics, part of Exact Sciences
Classification: Uncertain significance for MID1-related condition. Last evaluated: 2025-09-12. Review status: criteria provided, single submitter. Criteria: ACMG Guidelines, 2015. Collection method: clinical testing. Allele origin: germline.
Comment: The MID1 c.801T>A variant is predicted to result in the amino acid substitution p.Asp267Glu. To our knowledge, this variant has not been reported in the literature or in a large population database (gnomAD), indicating this variant is rare. At this time, the clinical significance of this variant is uncertain due to the absence of conclusive functional and genetic evidence.

NM_000381.4(MID1):c.801T>A (p.Asp267Glu)

Gene: MID1 (midline 1; minus strand). Cytogenetic location: Xp22.2.
Variant type: single nucleotide variant.
Coding change: c.801T>A on transcript NM_000381.4 (MANE Select); coding-DNA position 801, T replaced by A.
Protein change: p.Asp267Glu; replaces aspartic acid 267 with glutamic acid.
Molecular consequence: missense variant.
Genome position (GRCh38, 1-based): chrX:10,495,647, A>T on the plus strand (T>A on the coding strand, the complement: MID1 is on the minus strand). VCF-style: chrX-10495647-A-T. GRCh37 (hg19) VCF-style: chrX-10463687-A-T.
Other names: c.801T>A, p.Asp267Glu (NM_001098624.2, NM_001193277.1, NM_001193279.1 and 2 more transcripts); c.954T>A, p.Asp318Glu (NM_001193278.1); c.687T>A, p.Asp229Glu (NM_001193280.1, NM_033289.2); short protein forms D267E, D318E, D229E.
Identifiers: ClinVar variation 4991891 (VCV004991891.1).